The following is an entry in ClinVar:

ClinVar aggregate classification (germline): Uncertain significance (1 of 4 stars; one submission).

Submission:

Labcorp Genetics (formerly Invitae), Labcorp
Classification: Uncertain significance. Last evaluated: 2024-12-05. Review status: criteria provided, single submitter. Criteria: Invitae Variant Classification Sherloc (09022015). Collection method: clinical testing. Allele origin: germline.
Comment: This sequence change replaces proline, which is neutral and non-polar, with histidine, which is basic and polar, at codon 667 of the LARS protein (p.Pro667His). This variant is not present in population databases (gnomAD no frequency). This variant has not been reported in the literature in individuals affected with LARS-related conditions. Invitae Evidence Modeling of protein sequence and biophysical properties (such as structural, functional, and spatial information, amino acid conservation, physicochemical variation, residue mobility, and thermodynamic stability) indicates that this missense variant is expected to disrupt LARS protein function with a positive predictive value of 80%. In summary, the available evidence is currently insufficient to determine the role of this variant in disease. Therefore, it has been classified as a Variant of Uncertain Significance.

NM_020117.11(LARS1):c.2000C>A (p.Pro667His)

Gene: LARS1 (leucyl-tRNA synthetase 1; minus strand). Cytogenetic location: 5q32.
Variant type: single nucleotide variant.
Coding change: c.2000C>A on transcript NM_020117.11 (MANE Select); coding-DNA position 2000, C replaced by A.
Protein change: p.Pro667His; replaces proline 667 with histidine.
Molecular consequence: missense variant.
Genome position (GRCh38, 1-based): chr5:146,142,962, G>T on the plus strand (C>A on the coding strand, the complement: LARS1 is on the minus strand). VCF-style: chr5-146142962-G-T. GRCh37 (hg19) VCF-style: chr5-145522525-G-T.
Other names: c.1862C>A, p.Pro621His (NM_001317964.2); c.1838C>A, p.Pro613His (NM_001317965.2); c.1919C>A, p.Pro640His (NM_016460.4); short protein forms P640H, P667H, P613H, P621H.
Identifiers: ClinVar variation 3705620 (VCV003705620.2).